The following is an entry in ClinVar:

ClinVar aggregate classification (germline): Benign. Review status: criteria provided, multiple submitters, no conflicts (2 of 4 stars). 6 submissions from 6 submitters: Benign (5). 1 of the submissions does not count toward it. Last evaluated 2026-02-02.

Conditions:
Usher syndrome type 2C. Also called: Usher syndrome, type 2B; USHER SYNDROME, TYPE IIC. Identifiers: Orphanet 231178, Orphanet 886, MedGen C2931213, MONDO:0011558, OMIM 605472.
Febrile seizures, familial, 4 (FEB4). Also called: CONVULSIONS, FAMILIAL FEBRILE, 4. Identifiers: MedGen C1858493, MONDO:0011443, OMIM 604352.

Allele frequency attached by ClinVar (database versions not stated): ESP Exome Variant Server 0.00695; gnomAD 0.00712 and 0.00670; 1000 Genomes Project 0.00739; TOPMed 0.00750; 1000 Genomes Project 30x 0.00765; gnomAD exomes 0.00068 and 0.00191; ExAC 0.00244.
gnomAD v4.1: 2,053 of 1,612,880 alleles (0.13%); highest among the groups gnomAD compares: African/African-American, 2.4%; 29 homozygotes.

Submissions (6):

Labcorp Genetics (formerly Invitae), Labcorp
Classification: Benign. Last evaluated: 2026-02-02. Review status: criteria provided, single submitter. Criteria: Invitae Variant Classification Sherloc (09022015). Collection method: clinical testing. Allele origin: germline.

Athena Diagnostics
Classification: Benign. Last evaluated: 2024-08-13. Review status: criteria provided, single submitter. Criteria: Athena Diagnostics Criteria. Collection method: clinical testing. Allele origin: unknown.

Fulgent Genetics
Classification: Benign for Febrile seizures, familial, 4; Usher syndrome type 2C. Last evaluated: 2022-01-03. Review status: criteria provided, single submitter. Criteria: ACMG Guidelines, 2015. Collection method: clinical testing. Allele origin: unknown.

GeneDx
Classification: Benign. Last evaluated: 2018-08-14. Review status: criteria provided, single submitter. Criteria: GeneDx Variant Classification Process June 2021. Collection method: clinical testing. Allele origin: germline. Affected: yes.

Laboratory for Molecular Medicine, Mass General Brigham Personalized Medicine
Classification: Benign. Last evaluated: 2012-05-07. Review status: criteria provided, single submitter. Criteria: LMM Criteria. Collection method: clinical testing. Allele origin: germline. Observed: 6 variant alleles.
Comment: Pro4346Leu in Exon 64 of GPR98: This variant is not expected to have clinical si gnificance because it has been identified in 2.5% (76/3026) of African American chromosomes from a broad population by the NHLBI Exome Sequencing Project (dbSNP rs74632023).

Genetic Services Laboratory, University of Chicago
Classification: Likely benign. Review status: no assertion criteria provided. Collection method: clinical testing. Allele origin: germline. Inheritance: Autosomal dominant inheritance. Not counted in ClinVar's aggregate classification.
Comment: Likely benign based on allele frequency in 1000 Genomes Project or ESP global frequency and its presence in a patient with a rare or unrelated disease phenotype. NOT Sanger confirmed

Literature cited by the submitters: PubMed 27898983 (cited by Athena Diagnostics).

NM_032119.4(ADGRV1):c.13037C>T (p.Pro4346Leu)

Gene: ADGRV1 (adhesion G protein-coupled receptor V1; plus strand). Cytogenetic location: 5q14.3.
Variant type: single nucleotide variant.
Coding change: c.13037C>T on transcript NM_032119.4 (MANE Select); coding-DNA position 13037, C replaced by T.
Protein change: p.Pro4346Leu; replaces proline 4346 with leucine.
Molecular consequence: missense variant. On other transcripts: non-coding transcript variant (1).
Genome position (GRCh38, 1-based): chr5:90,779,052, C>T. VCF-style: chr5-90779052-C-T. GRCh37 (hg19) VCF-style: chr5-90074869-C-T.
Other names: short protein forms P4346L.
Identifiers: ClinVar variation 46265 (VCV000046265.22), dbSNP rs74632023, ClinGen allele CA138021.